The following is an entry in ClinVar:

ClinVar aggregate classification (germline): Uncertain significance. Review status: criteria provided, multiple submitters, no conflicts (2 of 4 stars). 2 submissions from 2 submitters: Uncertain significance (2). Last evaluated 2022-06-20.

Conditions:
Hereditary cancer-predisposing syndrome. Also called: Neoplastic Syndromes, Hereditary; Tumor predisposition; Hereditary neoplastic syndrome; Hereditary Cancer Syndrome. Identifiers: Orphanet 140162, MedGen C0027672, MeSH D009386, MONDO:0015356.
Familial adenomatous polyposis 1 (FAP1). Also called: POLYPOSIS, ADENOMATOUS INTESTINAL; FAMILIAL ADENOMATOUS POLYPOSIS 1, ATTENUATED. Identifiers: MedGen C2713442, MONDO:0021056, OMIM 175100. Disease mechanism: loss of function.

Allele frequency attached by ClinVar (database versions not stated): gnomAD exomes below 0.00001.

Submissions (2):

Labcorp Genetics (formerly Invitae), Labcorp
Classification: Uncertain significance for Familial adenomatous polyposis 1. Last evaluated: 2022-06-20. Review status: criteria provided, single submitter. Criteria: Invitae Variant Classification Sherloc (09022015). Collection method: clinical testing. Allele origin: germline.
Comment: In summary, the available evidence is currently insufficient to determine the role of this variant in disease. Therefore, it has been classified as a Variant of Uncertain Significance. This sequence change replaces aspartic acid, which is acidic and polar, with histidine, which is basic and polar, at codon 1766 of the APC protein (p.Asp1766His). This variant is not present in population databases (gnomAD no frequency). This variant has not been reported in the literature in individuals affected with APC-related conditions. ClinVar contains an entry for this variant (Variation ID: 825624). Algorithms developed to predict the effect of missense changes on protein structure and function are either unavailable or do not agree on the potential impact of this missense change (SIFT: "Deleterious"; PolyPhen-2: "Possibly Damaging"; Align-GVGD: "Class C0").

Ambry Genetics
Classification: Uncertain significance for Hereditary cancer-predisposing syndrome. Last evaluated: 2018-10-31. Review status: criteria provided, single submitter. Criteria: Ambry Variant Classification Scheme 2023. Collection method: clinical testing. Allele origin: germline.
Comment: The p.D1766H variant (also known as c.5296G>C), located in coding exon 15 of the APC gene, results from a G to C substitution at nucleotide position 5296. The aspartic acid at codon 1766 is replaced by histidine, an amino acid with similar properties. This amino acid position is well conserved in available vertebrate species. In addition, in silico predictors for this gene do not accurately predict pathogenicity. Since supporting evidence is limited at this time, the clinical significance of this alteration remains unclear.

NM_000038.6(APC):c.5296G>C (p.Asp1766His)

Gene: APC (APC regulator of Wnt signaling pathway; plus strand). Cytogenetic location: 5q22.2.
Variant type: single nucleotide variant.
Coding change: c.5296G>C on transcript NM_000038.6 (MANE Select); coding-DNA position 5296, G replaced by C.
Protein change: p.Asp1766His; replaces aspartic acid 1766 with histidine.
Molecular consequence: missense variant.
Genome position (GRCh38, 1-based): chr5:112,840,890, G>C. VCF-style: chr5-112840890-G-C. GRCh37 (hg19) VCF-style: chr5-112176587-G-C.
Other names: c.5296G>C, p.Asp1766His (NM_001127510.3, NM_001354895.2); c.5242G>C, p.Asp1748His (NM_001127511.3); c.5350G>C, p.Asp1784His (NM_001354896.2); c.5326G>C, p.Asp1776His (NM_001354897.2); c.5221G>C, p.Asp1741His (NM_001354898.2); c.5212G>C, p.Asp1738His (NM_001354899.2); c.5173G>C, p.Asp1725His (NM_001354900.2); c.5119G>C, p.Asp1707His (NM_001354901.2); and 5 more; short protein forms D1483H, D1766H, D1606H, D1640H, D1665H, D1675H, D1738H, D1707H.
Identifiers: ClinVar variation 825624 (VCV000825624.12), dbSNP rs1580658487, ClinGen allele CA16032908.